The following is an entry in ClinVar:

NM_000836.4(GRIN2D):c.1855G>A (p.Gly619Ser)

Gene: GRIN2D (glutamate ionotropic receptor NMDA type subunit 2D; plus strand). Cytogenetic location: 19q13.33.
Variant type: single nucleotide variant.
Coding change: c.1855G>A on transcript NM_000836.4 (MANE Select); coding-DNA position 1855, G replaced by A.
Protein change: p.Gly619Ser; replaces glycine 619 with serine.
Molecular consequence: missense variant.
Genome position (GRCh38, 1-based): chr19:48,419,353, G>A. VCF-style: chr19-48419353-G-A. GRCh37 (hg19) VCF-style: chr19-48922610-G-A.
Other names: c.1855G>A (NM_000836.2); short protein forms G619S.
Identifiers: ClinVar variation 1496066 (VCV001496066.9), dbSNP rs141530315, ClinGen allele CA9550599.

ClinVar aggregate classification (germline): Uncertain significance. Review status: criteria provided, multiple submitters, no conflicts (2 of 4 stars). 2 submissions from 2 submitters: Uncertain significance (2). Last evaluated 2024-12-07.

Conditions:
Developmental and epileptic encephalopathy, 46 (DEE46). Also called: Epileptic encephalopathy, early infantile, 46; GRIN2D-Related Developmental and Epileptic Encephalopathy. Identifiers: MedGen C4310687, MONDO:0014947, OMIM 617162.

Allele frequency attached by ClinVar (database versions not stated): gnomAD exomes below 0.00001 and 0.00001; ExAC 0.00001; gnomAD 0.00001; TOPMed 0.00001; ESP Exome Variant Server 0.00008.
gnomAD v4.1: 3 of 1,601,580 alleles (0.00019%); highest among the groups gnomAD compares: Non-Finnish European, 0.00025%; no homozygotes.

Submissions (2):

Labcorp Genetics (formerly Invitae), Labcorp
Classification: Uncertain significance. Last evaluated: 2024-12-07. Review status: criteria provided, single submitter. Criteria: Invitae Variant Classification Sherloc (09022015). Collection method: clinical testing. Allele origin: germline.
Comment: This sequence change replaces glycine, which is neutral and non-polar, with serine, which is neutral and polar, at codon 619 of the GRIN2D protein (p.Gly619Ser). This variant is present in population databases (rs141530315, gnomAD 0.003%). This variant has not been reported in the literature in individuals affected with GRIN2D-related conditions. ClinVar contains an entry for this variant (Variation ID: 1496066). Invitae Evidence Modeling of protein sequence and biophysical properties (such as structural, functional, and spatial information, amino acid conservation, physicochemical variation, residue mobility, and thermodynamic stability) indicates that this missense variant is not expected to disrupt GRIN2D protein function with a negative predictive value of 80%. In summary, the available evidence is currently insufficient to determine the role of this variant in disease. Therefore, it has been classified as a Variant of Uncertain Significance.

Revvity Omics, Revvity
Classification: Uncertain significance for Developmental and epileptic encephalopathy, 46. Last evaluated: 2021-12-07. Review status: criteria provided, single submitter. Criteria: ACMG Guidelines, 2015. Collection method: clinical testing. Allele origin: germline.